The following is an entry in ClinVar:

ClinVar aggregate classification (germline): Likely pathogenic. Review status: criteria provided, single submitter (1 of 4 stars). 4 submissions from 4 submitters: Likely pathogenic (1). 3 of the submissions do not count toward it. Last evaluated 2023-11-17.

Conditions:
Hearing impairment. Also called: Impaired Hearing. Identifiers: MedGen C1384666, MONDO:0005365, HP:0000365.
Hearing loss, autosomal dominant 76. Also called: DEAFNESS, AUTOSOMAL DOMINANT 76. Identifiers: MedGen C5394080, MONDO:0032917, OMIM 618787.
Autosomal dominant nonsyndromic hearing impairment.

Submissions (4):

GeneDx
Classification: Likely pathogenic. Last evaluated: 2023-11-17. Review status: criteria provided, single submitter. Criteria: GeneDx Variant Classification Process June 2021. Collection method: clinical testing. Allele origin: germline. Affected: yes.
Comment: In silico analysis supports that this missense variant has a deleterious effect on protein structure/function; Not observed at significant frequency in large population cohorts (gnomAD); This variant is associated with the following publications: (PMID: 30872814)

OMIM
Classification: Pathogenic for DEAFNESS, AUTOSOMAL DOMINANT 76. Last evaluated: 2020-02-21. Review status: no assertion criteria provided. Collection method: literature only. Allele origin: germline. Not counted in ClinVar's aggregate classification.

Center for Statistical Genetics, Columbia University
Classification: Uncertain significance for Partial deafness; Hearing impairment. Last evaluated: 2018-10-08. Review status: no assertion criteria provided. Collection method: research. Allele origin: germline. Inheritance: Autosomal dominant inheritance. Affected: yes. Not counted in ClinVar's aggregate classification.

University of Washington Center for Mendelian Genomics, University of Washington
Classification: Uncertain significance for Autosomal dominant nonsyndromic hearing impairment. Review status: no assertion criteria provided. Collection method: research. Allele origin: inherited. Affected: yes. Not counted in ClinVar's aggregate classification.

Literature cited by the submitters: PubMed 30872814 (cited by 3 submitters).

NM_001145319.2(PLS1):c.1087C>T (p.Leu363Phe)

Gene: PLS1 (plastin 1; plus strand). Cytogenetic location: 3q23.
Variant type: single nucleotide variant.
Coding change: c.1087C>T on transcript NM_001145319.2 (MANE Select); coding-DNA position 1087, C replaced by T.
Protein change: p.Leu363Phe; replaces leucine 363 with phenylalanine.
Molecular consequence: missense variant.
Genome position (GRCh38, 1-based): chr3:142,689,723, C>T. VCF-style: chr3-142689723-C-T. GRCh37 (hg19) VCF-style: chr3-142408565-C-T.
Other names: c.1087C>T, p.Leu363Phe (NM_001172312.2, NM_002670.3); c.1087C>T (NM_001172312.1); short protein forms L363F.
Identifiers: ClinVar variation 590932 (VCV000590932.5), dbSNP rs1560070780, ClinGen allele CA354833040.